The following is an entry in ClinVar:

ClinVar aggregate classification (germline): Uncertain significance (1 of 4 stars; one submission).

Submission:

GeneDx
Classification: Uncertain significance. Last evaluated: 2019-12-05. Review status: criteria provided, single submitter. Criteria: GeneDx Variant Classification Process June 2021. Collection method: clinical testing. Allele origin: germline. Affected: yes.
Comment: Has not been previously published as pathogenic or benign to our knowledge; Not observed in large population cohorts (Lek et al., 2016); In silico analysis, which includes protein predictors and evolutionary conservation, supports a deleterious effect; Although located in a calcium-binding EGF-like domain of the FBN2 gene, it does not affect a cysteine residue within this domain; cysteine substitutions in the calcium-binding EGF-like domains represent the majority of pathogenic missense changes associated with FBN2-related disorders (Collod-Beroud et al., 2003; Frederic et al., 2009)

NM_001999.4(FBN2):c.7546T>C (p.Ser2516Pro)

Gene: FBN2 (fibrillin 2; minus strand). Cytogenetic location: 5q23.3.
Variant type: single nucleotide variant.
Coding change: c.7546T>C on transcript NM_001999.4 (MANE Select); coding-DNA position 7546, T replaced by C.
Protein change: p.Ser2516Pro; replaces serine 2516 with proline.
Molecular consequence: missense variant.
Genome position (GRCh38, 1-based): chr5:128,276,086, A>G on the plus strand (T>C on the coding strand, the complement: FBN2 is on the minus strand). VCF-style: chr5-128276086-A-G. GRCh37 (hg19) VCF-style: chr5-127611778-A-G.
Other names: short protein forms S2516P.
Identifiers: ClinVar variation 1310809 (VCV001310809.2), dbSNP rs2126807303, ClinGen allele CA360753776.
Genomic context (GRCh38, chr5:128,276,086, plus strand): 5'-CTCTTCACTCACCTTTGCATGTCTTTCCATCCTCTTGCAGGACATACCCCCTCGGACATG[A>G]ACACTGATAACTCCCCTCAGTGTTCTTGCAGATGTAGTTGCATGGTTTCGGGGACTGGGA-3'
Protein context (NP_001990.2, residues 2506-2526): CKNTEGSYQC[Ser2516Pro]CPRGYVLQED